The following is an entry in ClinVar:

NM_000455.5(STK11):c.444C>A (p.Phe148Leu)

Gene: STK11 (serine/threonine kinase 11; plus strand). Cytogenetic location: 19p13.3.
Variant type: single nucleotide variant.
Coding change: c.444C>A on transcript NM_000455.5 (MANE Select); coding-DNA position 444, C replaced by A.
Protein change: p.Phe148Leu; replaces phenylalanine 148 with leucine.
Molecular consequence: missense variant. On other transcripts: non-coding transcript variant (1).
Genome position (GRCh38, 1-based): chr19:1,219,393, C>A. VCF-style: chr19-1219393-C-A. GRCh37 (hg19) VCF-style: chr19-1219392-C-A.
Other names: c.444C>A, p.Phe148Leu (NM_001407255.1); short protein forms F148L.
Identifiers: ClinVar variation 3720411 (VCV003720411.2).

ClinVar aggregate classification (germline): Uncertain significance (1 of 4 stars; one submission).

Conditions:
Peutz-Jeghers syndrome (PJS). Also called: POLYPOSIS, HAMARTOMATOUS INTESTINAL; POLYPS-AND-SPOTS SYNDROME; Peutz-Jeghers polyposis; Periorificial lentiginosis syndrome. Identifiers: Orphanet 2869, MedGen C0031269, MeSH D010580, MONDO:0008280, OMIM 175200.

Submission:

Labcorp Genetics (formerly Invitae), Labcorp
Classification: Uncertain significance for Peutz-Jeghers syndrome. Last evaluated: 2024-10-07. Review status: criteria provided, single submitter. Criteria: Invitae Variant Classification Sherloc (09022015). Collection method: clinical testing. Allele origin: germline.
Comment: This sequence change replaces phenylalanine, which is neutral and non-polar, with leucine, which is neutral and non-polar, at codon 148 of the STK11 protein (p.Phe148Leu). This variant is not present in population databases (gnomAD no frequency). This variant has not been reported in the literature in individuals affected with STK11-related conditions. Invitae Evidence Modeling of protein sequence and biophysical properties (such as structural, functional, and spatial information, amino acid conservation, physicochemical variation, residue mobility, and thermodynamic stability) indicates that this missense variant is not expected to disrupt STK11 protein function with a negative predictive value of 95%. In summary, the available evidence is currently insufficient to determine the role of this variant in disease. Therefore, it has been classified as a Variant of Uncertain Significance.